The following is an entry in ClinVar:

NM_001378964.1(CDON):c.3783C>A (p.Pro1261=)

Gene: CDON (cell adhesion associated, oncogene regulated; minus strand). Cytogenetic location: 11q24.2.
Variant type: single nucleotide variant.
Coding change: c.3783C>A on transcript NM_001378964.1 (MANE Select); coding-DNA position 3783, C replaced by A.
Protein change: p.Pro1261=; no amino-acid change (proline 1261 retained).
Molecular consequence: synonymous variant.
Genome position (GRCh38, 1-based): chr11:125,960,954, G>T on the plus strand (C>A on the coding strand, the complement: CDON is on the minus strand). VCF-style: chr11-125960954-G-T. GRCh37 (hg19) VCF-style: chr11-125830849-G-T.
Other names: c.3852C>A, p.Pro1284= (NM_001243597.3); c.3783C>A, p.Pro1261= (NM_016952.6).
Identifiers: ClinVar variation 2642516 (VCV002642516.24), dbSNP rs2496868220, ClinGen allele CA477524623.
Genomic context (GRCh38, chr11:125,960,954, plus strand): 5'-TGCAGTTACCGGCTTGAAGTTGGAACATGACTGGTTGTTTGCATGTCCTCAGGTTTCCCG[G>T]GGCTGCTGAAGGACCTCTGTCGGGCTGTCTAAAGGAATGCCAGGTGGAGACCACATTGTC-3'
Protein context (NP_001365893.1, residues 1251-1264): LDSPTEVLQQ[Pro1261=]RET

ClinVar aggregate classification (germline): Likely benign (1 of 4 stars; one submission).

Submission:

CeGaT Center for Human Genetics Tuebingen
Classification: Likely benign. Last evaluated: 2022-11-01. Review status: criteria provided, single submitter. Criteria: CeGaT Center For Human Genetics Tuebingen Variant Classification Criteria Version 2. Collection method: clinical testing. Allele origin: germline. Affected: yes. Observed: 1 variant allele.
Comment: CDON: PM2:Supporting, BP4, BP7